The following is an entry in ClinVar:

NM_024642.5(GALNT12):c.1454A>G (p.Asn485Ser)

Gene: GALNT12 (polypeptide N-acetylgalactosaminyltransferase 12; plus strand). Cytogenetic location: 9q22.33.
Variant type: single nucleotide variant.
Coding change: c.1454A>G on transcript NM_024642.5 (MANE Select); coding-DNA position 1454, A replaced by G.
Protein change: p.Asn485Ser; replaces asparagine 485 with serine.
Molecular consequence: missense variant.
Genome position (GRCh38, 1-based): chr9:98,844,205, A>G. VCF-style: chr9-98844205-A-G. GRCh37 (hg19) VCF-style: chr9-101606487-A-G.
Other names: short protein forms N485S.
Identifiers: ClinVar variation 3227920 (VCV003227920.1), dbSNP rs2490552762, ClinGen allele CA374221559.

ClinVar aggregate classification (germline): Uncertain significance (1 of 4 stars; one submission).

Submission:

Ambry Genetics
Classification: Uncertain significance. Last evaluated: 2024-03-13. Review status: criteria provided, single submitter. Criteria: Ambry Variant Classification Scheme 2023. Collection method: clinical testing. Allele origin: germline.
Comment: The p.N485S variant (also known as c.1454A>G), located in coding exon 8 of the GALNT12 gene, results from an A to G substitution at nucleotide position 1454. The asparagine at codon 485 is replaced by serine, an amino acid with highly similar properties. This amino acid position is conserved. In addition, this alteration is predicted to be tolerated by in silico analysis. Based on the available evidence, the clinical significance of this alteration remains unclear.